The following is an entry in ClinVar:

NM_003738.5(PTCH2):c.1127A>G (p.His376Arg)

Gene: PTCH2 (patched 2; minus strand). Cytogenetic location: 1p34.1.
Variant type: single nucleotide variant.
Coding change: c.1127A>G on transcript NM_003738.5 (MANE Select); coding-DNA position 1127, A replaced by G.
Protein change: p.His376Arg; replaces histidine 376 with arginine.
Molecular consequence: missense variant.
Genome position (GRCh38, 1-based): chr1:44,829,490, T>C on the plus strand (A>G on the coding strand, the complement: PTCH2 is on the minus strand). VCF-style: chr1-44829490-T-C. GRCh37 (hg19) VCF-style: chr1-45295162-T-C.
Other names: c.1127A>G, p.His376Arg (NM_001166292.2); short protein forms H376R.
Identifiers: ClinVar variation 2728816 (VCV002728816.3), dbSNP rs535118425, ClinGen allele CA823417.

ClinVar aggregate classification (germline): Uncertain significance (1 of 4 stars; one submission).

Conditions:
Gorlin syndrome. Also called: Nevoid Basal Cell Carcinoma Syndrome; Basal cell nevus syndrome. Identifiers: Orphanet 377, MedGen C0004779, MONDO:0007187.

Allele frequency attached by ClinVar (database versions not stated): gnomAD exomes below 0.00001; gnomAD 0.00001; TOPMed 0.00001; ExAC 0.00002; 1000 Genomes Project 30x 0.00016; 1000 Genomes Project 0.00020.
gnomAD v4.1: 8 of 1,614,142 alleles (0.0005%); highest among the groups gnomAD compares: East Asian, 0.0089%; no homozygotes.

Submission:

Labcorp Genetics (formerly Invitae), Labcorp
Classification: Uncertain significance for Gorlin syndrome. Last evaluated: 2023-08-05. Review status: criteria provided, single submitter. Criteria: Invitae Variant Classification Sherloc (09022015). Collection method: clinical testing. Allele origin: germline.
Comment: This sequence change replaces histidine, which is basic and polar, with arginine, which is basic and polar, at codon 376 of the PTCH2 protein (p.His376Arg). This variant is present in population databases (rs535118425, gnomAD 0.02%). This variant has not been reported in the literature in individuals affected with PTCH2-related conditions. Advanced modeling of protein sequence and biophysical properties (such as structural, functional, and spatial information, amino acid conservation, physicochemical variation, residue mobility, and thermodynamic stability) performed at Invitae indicates that this missense variant is not expected to disrupt PTCH2 protein function. In summary, the available evidence is currently insufficient to determine the role of this variant in disease. Therefore, it has been classified as a Variant of Uncertain Significance.